The following is an entry in ClinVar:

ClinVar aggregate classification (germline): Uncertain significance. Review status: criteria provided, multiple submitters, no conflicts (2 of 4 stars). 2 submissions from 2 submitters: Uncertain significance (2). Last evaluated 2024-10-07.

Conditions:
Epidermolysis bullosa simplex 3, localized or generalized intermediate, with BP230 deficiency (EBS3). Also called: Epidermolysis bullosa simplex, autosomal recessive 2; Epidermolysis bullosa simplex due to BP230 deficiency. Identifiers: Orphanet 412181, MedGen C3809470, MONDO:0014180, OMIM 615425.
Hereditary sensory and autonomic neuropathy type 6. Also called: Neuropathy, hereditary sensory and autonomic, type VI; HSAN VI. Identifiers: Orphanet 314381, MedGen C3539003, MONDO:0013839, OMIM 614653.

Allele frequency attached by ClinVar (database versions not stated): gnomAD exomes 0.00002 and 0.00003; ExAC 0.00009.
gnomAD v4.1: 14 of 1,607,346 alleles (0.00087%); highest among the groups gnomAD compares: Non-Finnish European, 0.0006%; no homozygotes.

Submissions (2):

Blueprint Genetics
Classification: Uncertain significance. Last evaluated: 2024-10-07. Review status: criteria provided, single submitter. Criteria: ACMG Guidelines, 2015. Collection method: clinical testing. Allele origin: germline.

Labcorp Genetics (formerly Invitae), Labcorp
Classification: Uncertain significance for Epidermolysis bullosa simplex 3, localized or generalized intermediate, with BP230 deficiency; Hereditary sensory and autonomic neuropathy type 6. Last evaluated: 2021-09-08. Review status: criteria provided, single submitter. Criteria: Invitae Variant Classification Sherloc (09022015). Collection method: clinical testing. Allele origin: germline.
Comment: This variant is present in population databases (rs756527781, ExAC 0.02%). This variant has not been reported in the literature in individuals affected with DST-related conditions. Experimental studies and prediction algorithms are not available or were not evaluated, and the functional significance of this variant is currently unknown. In summary, the available evidence is currently insufficient to determine the role of this variant in disease. Therefore, it has been classified as a Variant of Uncertain Significance. This sequence change replaces lysine with threonine at codon 2164 of the DST protein (p.Lys2164Thr). The DST gene has multiple clinically relevant transcripts. This variant occurs in alternate transcript NM_015548.4, and corresponds to NM_001723.5:c.*55143A>C in the primary transcript.

NM_001374736.1(DST):c.14360A>C (p.Lys4787Thr)

Gene: DST (dystonin; minus strand). Cytogenetic location: 6p12.1.
Variant type: single nucleotide variant.
Coding change: c.14360A>C on transcript NM_001374736.1 (MANE Select); coding-DNA position 14360, A replaced by C.
Protein change: p.Lys4787Thr; replaces lysine 4787 with threonine.
Molecular consequence: missense variant.
Genome position (GRCh38, 1-based): chr6:56,560,374, T>G on the plus strand (A>C on the coding strand, the complement: DST is on the minus strand). VCF-style: chr6-56560374-T-G. GRCh37 (hg19) VCF-style: chr6-56425172-T-G.
Other names: c.8003A>C, p.Lys2668Thr (NM_001144769.5); c.7589A>C, p.Lys2530Thr (NM_001144770.2); c.14360A>C, p.Lys4787Thr (NM_001374722.1); c.13727A>C, p.Lys4576Thr (NM_001374729.1); c.7469A>C, p.Lys2490Thr (NM_001374730.1, NM_001386100.1, NM_183380.4); c.14387A>C, p.Lys4796Thr (NM_001374734.1); c.6491A>C, p.Lys2164Thr (NM_015548.5); short protein forms K2164T, K4787T, K2490T, K2668T, K2530T, K4576T, K4796T.
Identifiers: ClinVar variation 1361154 (VCV001361154.6), dbSNP rs756527781, ClinGen allele CA3868041.